The following is an entry in ClinVar:

NM_001035.3(RYR2):c.639C>T (p.Ser213=)

Gene: RYR2 (ryanodine receptor 2; plus strand). Cytogenetic location: 1q43.
Variant type: single nucleotide variant.
Coding change: c.639C>T on transcript NM_001035.3 (MANE Select); coding-DNA position 639, C replaced by T.
Protein change: p.Ser213=; no amino-acid change (serine 213 retained).
Molecular consequence: synonymous variant.
Genome position (GRCh38, 1-based): chr1:237,387,343, C>T. VCF-style: chr1-237387343-C-T. GRCh37 (hg19) VCF-style: chr1-237550643-C-T.
Other names: c.639C>T, p.Ser213= (LRG_402t1).
Identifiers: ClinVar variation 463617 (VCV000463617.20), dbSNP rs375180398, ClinGen allele CA074365.

ClinVar aggregate classification (germline): Conflicting classifications of pathogenicity. Review status: criteria provided, conflicting classifications (1 of 4 stars). 7 submissions from 7 submitters: Uncertain significance (1); Likely benign (5). 1 of the submissions does not count toward it. Last evaluated 2026-01-27.

Conditions:
RYR2-related disorder. Also called: RYR2-related condition.
Ventricular arrhythmias due to cardiac ryanodine receptor calcium release deficiency syndrome. Also called: Autosomal dominant cardiac arrhythmia (Kuhn). Identifiers: MedGen C5542154, MONDO:0020745, OMIM 115000.
Cardiovascular phenotype. Identifiers: MedGen CN230736.
Catecholaminergic polymorphic ventricular tachycardia (CVPT). Also called: Catecholamine-induced polymorphic ventricular tachycardia. Identifiers: Orphanet 3286, MedGen C5574922, MONDO:0017990.
Cardiomyopathy (CMYO). Also called: Cardiomyopathies. Identifiers: Orphanet 167848, MedGen C0878544, MONDO:0004994, HP:0001638. Inheritance: Various modes of inheritance.
Catecholaminergic polymorphic ventricular tachycardia 1. Also called: VENTRICULAR TACHYCARDIA, STRESS-INDUCED POLYMORPHIC 1; VENTRICULAR TACHYCARDIA, CATECHOLAMINERGIC POLYMORPHIC, 1, WITH OR WITHOUT ATRIAL DYSFUNCTION AND/OR DILATED CARDIOMYOPATHY; RYR2-Related Catecholaminergic Polymorphic Ventricular Tachycardia. Identifiers: Orphanet 3286, MedGen C1631597, MONDO:0011484, OMIM 604772.

Allele frequency attached by ClinVar (database versions not stated): gnomAD 0.00008 and 0.00009; gnomAD exomes 0.00004; ExAC 0.00006; ESP Exome Variant Server 0.00008; TOPMed 0.00011; 1000 Genomes Project 0.00020; 1000 Genomes Project 30x 0.00031.
gnomAD v4.1: 36 of 1,613,964 alleles (0.0022%); highest among the groups gnomAD compares: African/African-American, 0.027%; no homozygotes.

Submissions (7):

Labcorp Genetics (formerly Invitae), Labcorp
Classification: Likely benign for Catecholaminergic polymorphic ventricular tachycardia 1. Last evaluated: 2026-01-27. Review status: criteria provided, single submitter. Criteria: Invitae Variant Classification Sherloc (09022015). Collection method: clinical testing. Allele origin: germline.

Clinical Genomics Laboratory, Washington University in St. Louis
Classification: Uncertain significance for Ventricular arrhythmias due to cardiac ryanodine receptor calcium release deficiency syndrome. Last evaluated: 2025-01-28. Review status: criteria provided, single submitter. Criteria: ACMG Guidelines, 2015. Collection method: clinical testing. Allele origin: germline.
Comment: The RYR2 c.639C>T (p.Ser213=) variant, to our knowledge, has not been reported in the medical literature. This variant has been reported in the ClinVar database as a germline benign/likely benign variant by six submitters (Variation ID: 463617). This variant is observed on 13/280,592 alleles in the general population (gnomAD v.2.1.1). Computational predictors indicate that the variant has no impact on splicing, evidence that this variant does not have a damaging effect on RYR2 function. Due to limited information the clinical significance of this variant is uncertain at this time.

All of Us Research Program, National Institutes of Health
Classification: Likely benign for Catecholaminergic polymorphic ventricular tachycardia. Last evaluated: 2024-02-05. Review status: criteria provided, single submitter. Criteria: ACMG Guidelines, 2015. Collection method: clinical testing. Allele origin: germline. Inheritance: Autosomal dominant inheritance. Observed: 9 variant alleles, 9 heterozygotes.
Comment: This study involves interpretation of variants in research participants for the purpose of population health screening. Participant phenotype was not available at the time of variant classification. Additional details can be found in publication PMID: 35346344, PMCID: PMC8962531

Women's Health and Genetics/Laboratory Corporation of America, LabCorp
Classification: Likely benign. Last evaluated: 2023-08-19. Review status: criteria provided, single submitter. Criteria: LabCorp Variant Classification Summary - May 2015. Collection method: clinical testing. Allele origin: germline.

Ambry Genetics
Classification: Likely benign for Cardiovascular phenotype. Last evaluated: 2020-03-06. Review status: criteria provided, single submitter. Criteria: Ambry Variant Classification Scheme 2023. Collection method: clinical testing. Allele origin: germline.

Color Diagnostics, LLC DBA Color Health
Classification: Likely benign for Cardiomyopathy. Last evaluated: 2019-03-08. Review status: criteria provided, single submitter. Criteria: ACMG Guidelines, 2015. Collection method: clinical testing. Allele origin: germline.

PreventionGenetics, part of Exact Sciences
Classification: Likely benign for RYR2-related condition. Last evaluated: 2019-09-17. Review status: no assertion criteria provided. Collection method: clinical testing. Allele origin: germline. Not counted in ClinVar's aggregate classification.
Comment: This variant is classified as likely benign based on ACMG/AMP sequence variant interpretation guidelines (Richards et al. 2015 PMID: 25741868, with internal and published modifications).